The following is an entry in ClinVar:

NM_006899.5(IDH3B):c.973A>C (p.Met325Leu)

Gene: IDH3B (isocitrate dehydrogenase (NAD(+)) 3 non-catalytic subunit beta; minus strand). Cytogenetic location: 20p13.
Variant type: single nucleotide variant.
Coding change: c.973A>C on transcript NM_006899.5 (MANE Select); coding-DNA position 973, A replaced by C.
Protein change: p.Met325Leu; replaces methionine 325 with leucine.
Molecular consequence: missense variant. On other transcripts: non-coding transcript variant (1).
Genome position (GRCh38, 1-based): chr20:2,659,736, T>G on the plus strand (A>C on the coding strand, the complement: IDH3B is on the minus strand). VCF-style: chr20-2659736-T-G. GRCh37 (hg19) VCF-style: chr20-2640382-T-G.
Other names: c.973A>C, p.Met325Leu (NM_001258384.3, NM_001330763.2, NM_174855.4); short protein forms M325L.
Identifiers: ClinVar variation 1382602 (VCV001382602.6), dbSNP rs2146307596, ClinGen allele CA408034114.
Genomic context (GRCh38, chr20:2,659,736, plus strand): 5'-GCCGACAGCCTCCCATGACCTACTTAAGATGCCGCAGCATGTTGGAAGCCGACAGCAGCA[T>G]GGCCGTGGGATTGGCTATATTCCTGCCCACTGCCTGGGCAAATGGGTGCCGGGCACCCTG-3'
Protein context (NP_008830.2, residues 315-335): VGRNIANPTA[Met325Leu]LLSASNMLRH

ClinVar aggregate classification (germline): Uncertain significance (1 of 4 stars; one submission).

Submission:

Labcorp Genetics (formerly Invitae), Labcorp
Classification: Uncertain significance. Last evaluated: 2022-08-09. Review status: criteria provided, single submitter. Criteria: Invitae Variant Classification Sherloc (09022015). Collection method: clinical testing. Allele origin: germline.
Comment: In summary, the available evidence is currently insufficient to determine the role of this variant in disease. Therefore, it has been classified as a Variant of Uncertain Significance. Algorithms developed to predict the effect of missense changes on protein structure and function are either unavailable or do not agree on the potential impact of this missense change (SIFT: "Not Available"; PolyPhen-2: "Benign"; Align-GVGD: "Not Available"). ClinVar contains an entry for this variant (Variation ID: 1382602). This variant has not been reported in the literature in individuals affected with IDH3B-related conditions. This variant is not present in population databases (gnomAD no frequency). This sequence change replaces methionine with leucine at codon 325 of the IDH3B protein (p.Met325Leu). The methionine residue is highly conserved and there is a small physicochemical difference between methionine and leucine.